The following is an entry in ClinVar:

ClinVar aggregate classification (germline): Uncertain significance. Review status: criteria provided, single submitter (1 of 4 stars). 2 submissions from 2 submitters: Uncertain significance (1). 1 of the submissions does not count toward it. Last evaluated 2021-09-01.

Conditions:
Neuronal ceroid lipofuscinosis 2. Also called: JANSKY-BIELSCHOWSKY DISEASE NEURONAL CEROID LIPOFUSCINOSIS, LATE INFANTILE; TPP1-Related Neuronal Ceroid-Lipofuscinosis. Identifiers: Orphanet 168491, Orphanet 228349, Orphanet 79264, MedGen C1876161, MONDO:0008769, OMIM 204500.

Allele frequency attached by ClinVar (database versions not stated): gnomAD exomes below 0.00001 and 0.00001; ExAC 0.00001.
gnomAD v4.1: 5 of 1,614,128 alleles (0.00031%); highest among the groups gnomAD compares: South Asian, 0.0055%; no homozygotes.

Submissions (2):

Labcorp Genetics (formerly Invitae), Labcorp
Classification: Uncertain significance. Last evaluated: 2021-09-01. Review status: criteria provided, single submitter. Criteria: Invitae Variant Classification Sherloc (09022015). Collection method: clinical testing. Allele origin: germline.
Comment: This sequence change falls in intron 6 of the TPP1 gene. It does not directly change the encoded amino acid sequence of the TPP1 protein. It affects a nucleotide within the consensus splice site of the intron. This variant is present in population databases (rs768924191, ExAC 0.006%). This variant has not been reported in the literature in individuals affected with TPP1-related conditions. ClinVar contains an entry for this variant (Variation ID: 527730). Variants that disrupt the consensus splice site are a relatively common cause of aberrant splicing (PMID: 17576681, 9536098). Algorithms developed to predict the effect of sequence changes on RNA splicing suggest that this variant is not likely to affect RNA splicing. In summary, the available evidence is currently insufficient to determine the role of this variant in disease. Therefore, it has been classified as a Variant of Uncertain Significance.

Natera, Inc.
Classification: Uncertain significance for Neuronal ceroid lipofuscinosis 2. Last evaluated: 2019-11-11. Review status: no assertion criteria provided. Collection method: clinical testing. Allele origin: germline. Not counted in ClinVar's aggregate classification.

Literature cited by the submitters: PubMed 17576681 (cited by Labcorp Genetics (formerly Invitae), Labcorp); PubMed 9536098 (cited by Labcorp Genetics (formerly Invitae), Labcorp).

NM_000391.4(TPP1):c.687+6C>T

Gene: TPP1 (tripeptidyl peptidase 1; minus strand). Cytogenetic location: 11p15.4.
Variant type: single nucleotide variant.
Coding change: c.687+6C>T on transcript NM_000391.4 (MANE Select); 6 bases into the intron after coding-DNA position 687, C replaced by T.
Molecular consequence: intron variant.
Genome position (GRCh38, 1-based): chr11:6,616,969, G>A on the plus strand (C>T on the coding strand, the complement: TPP1 is on the minus strand). VCF-style: chr11-6616969-G-A. GRCh37 (hg19) VCF-style: chr11-6638200-G-A.
Identifiers: ClinVar variation 527730 (VCV000527730.8), dbSNP rs768924191, ClinGen allele CA5858881.